The following is an entry in ClinVar:

ClinVar aggregate classification (germline): Uncertain significance. Review status: criteria provided, multiple submitters, no conflicts (2 of 4 stars). 2 submissions from 2 submitters: Uncertain significance (2). Last evaluated 2024-06-26.

Allele frequency attached by ClinVar (database versions not stated): gnomAD exomes below 0.00001; TOPMed below 0.00001.
gnomAD v4.1: 7 of 1,614,146 alleles (0.00043%); highest among the groups gnomAD compares: Non-Finnish European, 0.00059%; no homozygotes.

Submissions (2):

Labcorp Genetics (formerly Invitae), Labcorp
Classification: Uncertain significance. Last evaluated: 2024-06-26. Review status: criteria provided, single submitter. Criteria: Invitae Variant Classification Sherloc (09022015). Collection method: clinical testing. Allele origin: germline.
Comment: This sequence change replaces leucine, which is neutral and non-polar, with valine, which is neutral and non-polar, at codon 465 of the ARMC9 protein (p.Leu465Val). This variant is not present in population databases (gnomAD no frequency). This variant has not been reported in the literature in individuals affected with ARMC9-related conditions. ClinVar contains an entry for this variant (Variation ID: 962114). Experimental studies and prediction algorithms are not available or were not evaluated, and the functional significance of this variant is currently unknown. In summary, the available evidence is currently insufficient to determine the role of this variant in disease. Therefore, it has been classified as a Variant of Uncertain Significance.

GeneDx
Classification: Uncertain significance. Last evaluated: 2022-11-25. Review status: criteria provided, single submitter. Criteria: GeneDx Variant Classification Process June 2021. Collection method: clinical testing. Allele origin: germline. Affected: yes.
Comment: Not observed at significant frequency in large population cohorts (gnomAD); In silico analysis supports that this missense variant has a deleterious effect on protein structure/function; Has not been previously published as pathogenic or benign to our knowledge

NM_001352754.2(ARMC9):c.1393C>G (p.Leu465Val)

Gene: ARMC9 (armadillo repeat containing 9; plus strand). Cytogenetic location: 2q37.1.
Variant type: single nucleotide variant.
Coding change: c.1393C>G on transcript NM_001352754.2 (MANE Select); coding-DNA position 1393, C replaced by G.
Protein change: p.Leu465Val; replaces leucine 465 with valine.
Molecular consequence: missense variant. On other transcripts: non-coding transcript variant (1).
Genome position (GRCh38, 1-based): chr2:231,276,694, C>G. VCF-style: chr2-231276694-C-G. GRCh37 (hg19) VCF-style: chr2-232141407-C-G.
Other names: c.1393C>G, p.Leu465Val (NM_001271466.4, NM_001291656.2, NM_001352755.2 and 3 more transcripts); c.1294C>G, p.Leu432Val (NM_001352757.2, NM_001352758.2); c.1393C>G (NM_025139.5); short protein forms L465V, L432V.
Identifiers: ClinVar variation 962114 (VCV000962114.9), dbSNP rs1039529608, ClinGen allele CA66824110.